The following is an entry in ClinVar:

NM_022765.4(MICAL1):c.436C>T (p.Arg146Cys)

Gene: MICAL1 (microtubule associated monooxygenase, calponin and LIM domain containing 1; minus strand). Cytogenetic location: 6q21.
Variant type: single nucleotide variant.
Coding change: c.436C>T on transcript NM_022765.4 (MANE Select); coding-DNA position 436, C replaced by T.
Protein change: p.Arg146Cys; replaces arginine 146 with cysteine.
Molecular consequence: missense variant.
Genome position (GRCh38, 1-based): chr6:109,453,668, G>A on the plus strand (C>T on the coding strand, the complement: MICAL1 is on the minus strand). VCF-style: chr6-109453668-G-A. GRCh37 (hg19) VCF-style: chr6-109774871-G-A.
Other names: c.436C>T, p.Arg146Cys (NM_001159291.2); c.493C>T, p.Arg165Cys (NM_001286613.2); short protein forms R146C, R165C.
Identifiers: ClinVar variation 4760612 (VCV004760612.1).

ClinVar aggregate classification (germline): Uncertain significance (1 of 4 stars; one submission).

gnomAD v4.1: 12 of 1,612,340 alleles (0.00074%); highest among the groups gnomAD compares: East Asian, 0.0089%; no homozygotes.

Submission:

Labcorp Genetics (formerly Invitae), Labcorp
Classification: Uncertain significance. Last evaluated: 2025-10-29. Review status: criteria provided, single submitter. Criteria: Invitae Variant Classification Sherloc (09022015). Collection method: clinical testing. Allele origin: germline.
Comment: This sequence change replaces arginine, which is basic and polar, with cysteine, which is neutral and slightly polar, at codon 165 of the MICAL1 protein (p.Arg165Cys). The frequency data for this variant in the population databases is considered unreliable, as metrics indicate poor data quality at this position in the gnomAD database. This variant has not been reported in the literature in individuals affected with MICAL1-related conditions. An algorithm developed to predict the effect of missense changes on protein structure and function (PolyPhen-2) suggests that this variant is likely to be disruptive. In summary, the available evidence is currently insufficient to determine the role of this variant in disease. Therefore, it has been classified as a Variant of Uncertain Significance.